The following is an entry in ClinVar:

NM_023110.3(FGFR1):c.1431-6C>T

Gene: FGFR1 (fibroblast growth factor receptor 1; minus strand). Cytogenetic location: 8p11.23.
Variant type: single nucleotide variant.
Coding change: c.1431-6C>T on transcript NM_023110.3 (MANE Select); 6 bases into the intron before coding-DNA position 1431, C replaced by T.
Molecular consequence: intron variant.
Genome position (GRCh38, 1-based): chr8:38,417,997, G>A on the plus strand (C>T on the coding strand, the complement: FGFR1 is on the minus strand). VCF-style: chr8-38417997-G-A. GRCh37 (hg19) VCF-style: chr8-38275515-G-A.
Other names: c.1152-6C>T (NM_001354368.2); c.1158-6C>T (NM_001354370.2, NM_023106.3); c.1164-6C>T (NM_023105.3, NM_001174066.2); c.1425-6C>T (NM_001354367.2, NM_015850.4, NM_001174063.2 and 1 more transcripts); c.1401-6C>T (NM_001174064.2); c.1419-6C>T (NM_001354369.2); c.1524-6C>T (NM_001174067.2).
Identifiers: ClinVar variation 700038 (VCV000700038.8), dbSNP rs375706016, ClinGen allele CA4718371.

ClinVar aggregate classification (germline): Likely benign. Review status: criteria provided, single submitter (1 of 4 stars). 2 submissions from 2 submitters: Likely benign (1). 1 of the submissions does not count toward it. Last evaluated 2025-04-14.

Conditions:
FGFR1-related disorder. Also called: FGFR1-related condition; FGFR1-related disorders. Identifiers: MedGen CN380097.
Pfeiffer syndrome (ACS5). Also called: ACS V. Identifiers: Orphanet 710, MedGen C0220658, MONDO:0007043, OMIM 101600.
Hypogonadotropic hypogonadism 2 with or without anosmia (HH2). Also called: HYPOGONADOTROPIC HYPOGONADISM 2 WITH OR WITHOUT ANOSMIA, SUSCEPTIBILITY TO; HYPOGONADOTROPIC HYPOGONADISM 2 WITHOUT ANOSMIA, SUSCEPTIBILITY TO; FGFR1-Related GnRH Deficiency (Kallmann Syndrome 2); HYPOGONADOTROPIC HYPOGONADISM 2 WITHOUT ANOSMIA. Identifiers: Orphanet 478, MedGen C1563720, MONDO:0007844, OMIM 147950. Disease mechanism: loss of function.

Allele frequency attached by ClinVar (database versions not stated): ExAC 0.00002; gnomAD exomes 0.00002; TOPMed 0.00002; gnomAD 0.00004; ESP Exome Variant Server 0.00008.
gnomAD v4.1: 34 of 1,614,020 alleles (0.0021%); highest among the groups gnomAD compares: African/African-American, 0.0027%; no homozygotes.

Submissions (2):

Labcorp Genetics (formerly Invitae), Labcorp
Classification: Likely benign for Pfeiffer syndrome; Hypogonadotropic hypogonadism 2 with or without anosmia. Last evaluated: 2025-04-14. Review status: criteria provided, single submitter. Criteria: Invitae Variant Classification Sherloc (09022015). Collection method: clinical testing. Allele origin: germline.

PreventionGenetics, part of Exact Sciences
Classification: Likely benign for FGFR1-related condition. Last evaluated: 2024-04-26. Review status: no assertion criteria provided. Collection method: clinical testing. Allele origin: germline. Not counted in ClinVar's aggregate classification.
Comment: This variant is classified as likely benign based on ACMG/AMP sequence variant interpretation guidelines (Richards et al. 2015 PMID: 25741868, with internal and published modifications).